The following is an entry in ClinVar:

NM_015062.5(PPRC1):c.2624T>C (p.Met875Thr)

Gene: PPRC1 (PPARG related coactivator 1; plus strand). Cytogenetic location: 10q24.32.
Variant type: single nucleotide variant.
Coding change: c.2624T>C on transcript NM_015062.5 (MANE Select); coding-DNA position 2624, T replaced by C.
Protein change: p.Met875Thr; replaces methionine 875 with threonine.
Molecular consequence: missense variant.
Genome position (GRCh38, 1-based): chr10:102,141,132, T>C. VCF-style: chr10-102141132-T-C. GRCh37 (hg19) VCF-style: chr10-103900889-T-C.
Other names: c.2624T>C, p.Met875Thr (NM_001288727.2); c.2264T>C, p.Met755Thr (NM_001288728.2); short protein forms M755T, M875T.
Identifiers: ClinVar variation 3038036 (VCV003038036.2), dbSNP rs149017426, ClinGen allele CA5661052.

ClinVar aggregate classification (germline): Likely benign (0 of 4 stars; one submission).

Conditions:
PPRC1-related disorder. Also called: PPRC1-related condition.

Allele frequency attached by ClinVar (database versions not stated): 1000 Genomes Project 30x 0.00062; 1000 Genomes Project 0.00080; TOPMed 0.00196; gnomAD exomes 0.00303; ESP Exome Variant Server 0.00308; ExAC 0.00328.
gnomAD v4.1: 4,743 of 1,614,030 alleles (0.29%); highest among the groups gnomAD compares: Non-Finnish European, 0.35%; 11 homozygotes.

Submission:

PreventionGenetics, part of Exact Sciences
Classification: Likely benign for PPRC1-related condition. Last evaluated: 2019-07-30. Review status: no assertion criteria provided. Collection method: clinical testing. Allele origin: germline.
Comment: This variant is classified as likely benign based on ACMG/AMP sequence variant interpretation guidelines (Richards et al. 2015 PMID: 25741868, with internal and published modifications).